The following is an entry in ClinVar:

NM_194277.3(FRMD7):c.127T>A (p.Phe43Ile)

Gene: FRMD7 (FERM domain containing 7; minus strand). Cytogenetic location: Xq26.2.
Variant type: single nucleotide variant.
Coding change: c.127T>A on transcript NM_194277.3 (MANE Select); coding-DNA position 127, T replaced by A.
Protein change: p.Phe43Ile; replaces phenylalanine 43 with isoleucine.
Molecular consequence: missense variant.
Genome position (GRCh38, 1-based): chrX:132,100,647, A>T on the plus strand (T>A on the coding strand, the complement: FRMD7 is on the minus strand). VCF-style: chrX-132100647-A-T. GRCh37 (hg19) VCF-style: chrX-131234675-A-T.
Other names: c.127T>A, p.Phe43Ile (NM_001306193.2); short protein forms F43I.
Identifiers: ClinVar variation 1718366 (VCV001718366.5), dbSNP rs2520849333, ClinGen allele CA414682177.

ClinVar aggregate classification (germline): Uncertain significance (1 of 4 stars; one submission).

Submission:

Labcorp Genetics (formerly Invitae), Labcorp
Classification: Uncertain significance. Last evaluated: 2022-08-30. Review status: criteria provided, single submitter. Criteria: Invitae Variant Classification Sherloc (09022015). Collection method: clinical testing. Allele origin: germline.
Comment: In summary, the available evidence is currently insufficient to determine the role of this variant in disease. Therefore, it has been classified as a Variant of Uncertain Significance. Algorithms developed to predict the effect of missense changes on protein structure and function are either unavailable or do not agree on the potential impact of this missense change (SIFT: "Deleterious"; PolyPhen-2: "Probably Damaging"; Align-GVGD: "Class C15"). This variant has not been reported in the literature in individuals affected with FRMD7-related conditions. This variant is not present in population databases (gnomAD no frequency). This sequence change replaces phenylalanine, which is neutral and non-polar, with isoleucine, which is neutral and non-polar, at codon 43 of the FRMD7 protein (p.Phe43Ile).